The following is an entry in ClinVar:

NM_001099922.3(ALG13):c.187T>G (p.Tyr63Asp)

Gene: ALG13 (ALG13 UDP-N-acetylglucosaminyltransferase subunit; plus strand). Cytogenetic location: Xq23.
Variant type: single nucleotide variant.
Coding change: c.187T>G on transcript NM_001099922.3 (MANE Select); coding-DNA position 187, T replaced by G.
Protein change: p.Tyr63Asp; replaces tyrosine 63 with aspartic acid.
Molecular consequence: missense variant. On other transcripts: 5 prime UTR variant (9), non-coding transcript variant (3), splice donor variant (3).
Genome position (GRCh38, 1-based): chrX:111,682,237, T>G. VCF-style: chrX-111682237-T-G. GRCh37 (hg19) VCF-style: chrX-110925465-T-G.
Other names: c.187T>G, p.Tyr63Asp (NM_001168385.3, NM_001324290.2, NM_001324292.2 and 1 more transcripts); c.-126T>G (NM_001257230.2, NM_001257234.2, NM_001257235.3 and 6 more transcripts); c.10+2T>G (NM_001257231.2, NM_001257241.3); c.185+2T>G (NM_001039210.5); short protein forms Y63D.
Identifiers: ClinVar variation 4747438 (VCV004747438.1).

ClinVar aggregate classification (germline): Uncertain significance (1 of 4 stars; one submission).

Conditions:
Developmental and epileptic encephalopathy, 36 (DEE36). Also called: ALG13-CDG; Epileptic encephalopathy, early infantile, 36; Congenital disorder of glycosylation, type Is. Identifiers: Orphanet 324422, MedGen C4317295, MONDO:0010472, OMIM 300884.

Submission:

Labcorp Genetics (formerly Invitae), Labcorp
Classification: Uncertain significance for Developmental and epileptic encephalopathy, 36. Last evaluated: 2025-06-15. Review status: criteria provided, single submitter. Criteria: Invitae Variant Classification Sherloc (09022015). Collection method: clinical testing. Allele origin: germline.
Comment: This sequence change replaces tyrosine, which is neutral and polar, with aspartic acid, which is acidic and polar, at codon 63 of the ALG13 protein (p.Tyr63Asp). This variant is not present in population databases (gnomAD no frequency). This variant has not been reported in the literature in individuals affected with ALG13-related conditions. Invitae Evidence Modeling of protein sequence and biophysical properties (such as structural, functional, and spatial information, amino acid conservation, physicochemical variation, residue mobility, and thermodynamic stability) indicates that this missense variant is not expected to disrupt ALG13 protein function with a negative predictive value of 95%. In summary, the available evidence is currently insufficient to determine the role of this variant in disease. Therefore, it has been classified as a Variant of Uncertain Significance.